The following is an entry in ClinVar:

ClinVar aggregate classification (germline): Uncertain significance. Review status: criteria provided, multiple submitters, no conflicts (2 of 4 stars). 2 submissions from 2 submitters: Uncertain significance (2). Last evaluated 2025-08-25.

Conditions:
Catecholaminergic polymorphic ventricular tachycardia 1. Also called: VENTRICULAR TACHYCARDIA, STRESS-INDUCED POLYMORPHIC 1; VENTRICULAR TACHYCARDIA, CATECHOLAMINERGIC POLYMORPHIC, 1, WITH OR WITHOUT ATRIAL DYSFUNCTION AND/OR DILATED CARDIOMYOPATHY; RYR2-Related Catecholaminergic Polymorphic Ventricular Tachycardia. Identifiers: Orphanet 3286, MedGen C1631597, MONDO:0011484, OMIM 604772.
Cardiomyopathy (CMYO). Also called: Cardiomyopathies. Identifiers: Orphanet 167848, MedGen C0878544, MONDO:0004994, HP:0001638. Inheritance: Various modes of inheritance.

Allele frequency attached by ClinVar (database versions not stated): gnomAD exomes below 0.00001.
gnomAD v4.1: 3 of 1,613,930 alleles (0.00019%); highest among the groups gnomAD compares: Non-Finnish European, 0.00025%; no homozygotes.

Submissions (2):

Labcorp Genetics (formerly Invitae), Labcorp
Classification: Uncertain significance for Catecholaminergic polymorphic ventricular tachycardia 1. Last evaluated: 2025-08-25. Review status: criteria provided, single submitter. Criteria: Invitae Variant Classification Sherloc (09022015). Collection method: clinical testing. Allele origin: germline.
Comment: This sequence change replaces proline, which is neutral and non-polar, with serine, which is neutral and polar, at codon 980 of the RYR2 protein (p.Pro980Ser). This variant is not present in population databases (gnomAD no frequency). This variant has not been reported in the literature in individuals affected with RYR2-related conditions. ClinVar contains an entry for this variant (Variation ID: 2774277). Invitae Evidence Modeling of protein sequence and biophysical properties (such as structural, functional, and spatial information, amino acid conservation, physicochemical variation, residue mobility, and thermodynamic stability) indicates that this missense variant is expected to disrupt RYR2 protein function with a positive predictive value of 95%. In summary, the available evidence is currently insufficient to determine the role of this variant in disease. Therefore, it has been classified as a Variant of Uncertain Significance.

Color Diagnostics, LLC DBA Color Health
Classification: Uncertain significance for Cardiomyopathy. Last evaluated: 2024-03-06. Review status: criteria provided, single submitter. Criteria: ACMG Guidelines, 2015. Collection method: clinical testing. Allele origin: germline.
Comment: This missense variant replaces proline with serine at codon 980 of the RYR2 protein. Computational prediction suggests that this variant may have deleterious impact on protein structure and function (internally defined REVEL score threshold >= 0.7, PMID: 27666373). To our knowledge, functional studies have not been reported for this variant. This variant has not been reported in individuals affected with cardiovascular disorders in the literature. This variant has not been identified in the general population by the Genome Aggregation Database (gnomAD). The available evidence is insufficient to determine the role of this variant in disease conclusively. Therefore, this variant is classified as a Variant of Uncertain Significance.

NM_001035.3(RYR2):c.2938C>T (p.Pro980Ser)

Gene: RYR2 (ryanodine receptor 2; plus strand). Cytogenetic location: 1q43.
Variant type: single nucleotide variant.
Coding change: c.2938C>T on transcript NM_001035.3 (MANE Select); coding-DNA position 2938, C replaced by T.
Protein change: p.Pro980Ser; replaces proline 980 with serine.
Molecular consequence: missense variant.
Genome position (GRCh38, 1-based): chr1:237,548,462, C>T. VCF-style: chr1-237548462-C-T. GRCh37 (hg19) VCF-style: chr1-237711762-C-T.
Other names: short protein forms P980S.
Identifiers: ClinVar variation 2774277 (VCV002774277.3), dbSNP rs2546276273, ClinGen allele CA345393485.